The following is an entry in ClinVar:

ClinVar aggregate classification (germline): Uncertain significance. Review status: criteria provided, multiple submitters, no conflicts (2 of 4 stars). 3 submissions from 3 submitters: Uncertain significance (3). Last evaluated 2023-06-23.

Conditions:
Hereditary hyperferritinemia with congenital cataracts. Also called: Hereditary hyperferritinemia cataract syndrome; Bonneau-Beaumont syndrome; HYPERFERRITINEMIA WITH OR WITHOUT CATARACT. Identifiers: Orphanet 163, MedGen C1833213, MONDO:0010952, OMIM 600886.
Neuroferritinopathy (NBIA3). Also called: NEURODEGENERATION WITH BRAIN IRON ACCUMULATION 3; BASAL GANGLIA DISEASE, ADULT-ONSET. Identifiers: Orphanet 157846, MedGen C1853578, MONDO:0011638, OMIM 606159.

Allele frequency attached by ClinVar (database versions not stated): gnomAD exomes 0.00001.

Submissions (3):

Labcorp Genetics (formerly Invitae), Labcorp
Classification: Uncertain significance for Neuroferritinopathy; Hereditary hyperferritinemia with congenital cataracts. Last evaluated: 2023-06-23. Review status: criteria provided, single submitter. Criteria: Invitae Variant Classification Sherloc (09022015). Collection method: clinical testing. Allele origin: germline.
Comment: ClinVar contains an entry for this variant (Variation ID: 634430). This sequence change replaces glutamic acid, which is acidic and polar, with lysine, which is basic and polar, at codon 64 of the FTL protein (p.Glu64Lys). This variant is present in population databases (no rsID available, gnomAD 0.0009%). This variant has not been reported in the literature in individuals affected with FTL-related conditions. An algorithm developed to predict the effect of missense changes on protein structure and function (PolyPhen-2) suggests that this variant is likely to be tolerated. In summary, the available evidence is currently insufficient to determine the role of this variant in disease. Therefore, it has been classified as a Variant of Uncertain Significance.

CeGaT Center for Human Genetics Tuebingen
Classification: Uncertain significance. Last evaluated: 2022-03-01. Review status: criteria provided, single submitter. Criteria: CeGaT Center For Human Genetics Tuebingen Variant Classification Criteria Version 2. Collection method: clinical testing. Allele origin: germline. Affected: yes. Observed: 1 variant allele.
Comment: FTL: PM2

Genomic Research Center, Shahid Beheshti University of Medical Sciences
Classification: Uncertain significance. Last evaluated: 2019-01-01. Review status: criteria provided, single submitter. Criteria: ACMG Guidelines, 2015. Collection method: clinical testing. Allele origin: unknown. Affected: yes. Observed: 1 variant allele.

NM_000146.4(FTL):c.190G>A (p.Glu64Lys)

Gene: FTL (ferritin light chain; plus strand). Cytogenetic location: 19q13.33.
Variant type: single nucleotide variant.
Coding change: c.190G>A on transcript NM_000146.4 (MANE Select); coding-DNA position 190, G replaced by A.
Protein change: p.Glu64Lys; replaces glutamic acid 64 with lysine.
Molecular consequence: missense variant.
Genome position (GRCh38, 1-based): chr19:48,965,857, G>A. VCF-style: chr19-48965857-G-A. GRCh37 (hg19) VCF-style: chr19-49469114-G-A.
Other names: short protein forms E64K.
Identifiers: ClinVar variation 634430 (VCV000634430.30), dbSNP rs11553225, ClinGen allele CA309375820.